The following is an entry in ClinVar:

ClinVar aggregate classification (germline): Likely pathogenic. Review status: criteria provided, multiple submitters, no conflicts (2 of 4 stars). 3 submissions from 3 submitters: Likely pathogenic (2). 1 of the submissions does not count toward it. Last evaluated 2020-06-25.

Conditions:
Congenital factor VII deficiency. Identifiers: Orphanet 327, MedGen C0272320, MONDO:0009211, OMIM 227500.
Factor VII deficiency. Also called: Factor 7 deficiency; F7 DEFICIENCY; HYPOPROCONVERTINEMIA. Identifiers: MedGen C0015503, MeSH D005168, MONDO:0002244.

Allele frequency attached by ClinVar (database versions not stated): TOPMed 0.00001; gnomAD exomes 0.00002; 1000 Genomes Project 30x 0.00031; gnomAD 0.00001; ExAC 0.00003; 1000 Genomes Project 0.00020.
gnomAD v4.1: 13 of 1,612,736 alleles (0.00081%); highest among the groups gnomAD compares: East Asian, 0.029%; no homozygotes.

Submissions (3):

Laboratory for Molecular Medicine, Mass General Brigham Personalized Medicine
Classification: Likely pathogenic for Congenital factor VII deficiency. Last evaluated: 2020-06-25. Review status: criteria provided, single submitter. Criteria: LMM Criteria. Collection method: clinical testing. Allele origin: germline. Inheritance: Autosomal recessive inheritance. Observed: 1 variant allele.
Comment: The p.His408Gln variant in F7 has been reported in 3 homozygous and 3 compound heterozygous individuals with factor VII deficiency and segregated with disease in 2 affected individuals from 2 families ( Katsumi 2000 PMID: 10739380, Shen 2001 PMID: 11260055, Jin 2011 PMID: 21287501, Li 2013 PMID: 23358202, Jin 2015 PMID: 25863091, Wang 2018 PMID: 30208845). It has also been identified in 0.033% (6/18114) of East Asian chromosomes by gnomAD. Computational prediction tools and conservation analyses suggest that this variant may impact the protein, though this information is not predictive enough to determine pathogenicity. In vitro functional studies provide some evidence that this variant impacts protein function (Katsumi 2000 PMID: 10739380); however, these types of assays may not accurately represent biological function. Another variant at the same codon (p.His408Arg) has been identified in individuals with factor VII deficiency, suggesting that change at this position may not be tolerated. In summary, although additional studies are required to fully establish its clinical significance, this variant meets criteria to be classified as likely pathogenic for autosomal recessive factor VII deficiency. ACMG/AMP criteria applied: PM3_Strong, PM5, PP1_Moderate, PS3_Supporting.

Juno Genomics, Hangzhou Juno Genomics, Inc
Classification: Likely pathogenic for Congenital factor VII deficiency. Review status: criteria provided, single submitter. Criteria: ACMG Guidelines, 2015. Collection method: clinical testing. Allele origin: germline. Affected: yes.
Comment: Absent from controls (or at extremely low frequency if recessive) in Genome Aggregation Database.;For recessive disorders, detected in trans with a pathogenic variant.;Co-segregation with disease in multiple affected family members.;Well-established in vitro or in vivo functional studies supportive of a damaging effect on the gene or gene product.

OMIM
Classification: Pathogenic for FACTOR VII DEFICIENCY. Last evaluated: 2002-12-01. Review status: no assertion criteria provided. Collection method: literature only. Allele origin: germline. Not counted in ClinVar's aggregate classification.

Literature cited by the submitters: PubMed 10739380 (cited by Laboratory for Molecular Medicine, Mass General Brigham Personalized Medicine); PubMed 30208845 (cited by Laboratory for Molecular Medicine, Mass General Brigham Personalized Medicine); PubMed 21287501 (cited by Laboratory for Molecular Medicine, Mass General Brigham Personalized Medicine); PubMed 25863091 (cited by Laboratory for Molecular Medicine, Mass General Brigham Personalized Medicine); PubMed 11260055 (cited by Laboratory for Molecular Medicine, Mass General Brigham Personalized Medicine); PubMed 23358202 (cited by Laboratory for Molecular Medicine, Mass General Brigham Personalized Medicine); PubMed 12472587 (cited by OMIM).

NM_019616.4(F7):c.1158T>G (p.His386Gln)

Gene: F7 (coagulation factor VII; plus strand). Cytogenetic location: 13q34.
Variant type: single nucleotide variant.
Coding change: c.1158T>G on transcript NM_019616.4 (MANE Select); coding-DNA position 1158, T replaced by G.
Protein change: p.His386Gln; replaces histidine 386 with glutamine.
Molecular consequence: missense variant. On other transcripts: non-coding transcript variant (1).
Genome position (GRCh38, 1-based): chr13:113,118,831, T>G. VCF-style: chr13-113118831-T-G. GRCh37 (hg19) VCF-style: chr13-113773145-T-G.
Other names: F7, HIS348GLN; H348Q; c.1224T>G, p.His408Gln (NM_000131.5); c.972T>G, p.His324Gln (NM_001267554.2); short protein forms H408Q, H386Q, H324Q.
Identifiers: ClinVar variation 12088 (VCV000012088.6), dbSNP rs121964936, ClinGen allele CA121870.